The following is an entry in ClinVar:

NM_032578.4(MYPN):c.1725A>G (p.Lys575=)

Gene: MYPN (myopalladin; plus strand). Cytogenetic location: 10q21.3.
Variant type: single nucleotide variant.
Coding change: c.1725A>G on transcript NM_032578.4 (MANE Select); coding-DNA position 1725, A replaced by G.
Protein change: p.Lys575=; no amino-acid change (lysine 575 retained).
Molecular consequence: synonymous variant. On other transcripts: non-coding transcript variant (2).
Genome position (GRCh38, 1-based): chr10:68,166,418, A>G. VCF-style: chr10-68166418-A-G. GRCh37 (hg19) VCF-style: chr10-69926175-A-G.
Other names: c.1725A>G, p.Lys575= (NM_001256267.2); c.843A>G, p.Lys281= (NM_001256268.2).
Identifiers: ClinVar variation 509906 (VCV000509906.54), dbSNP rs143213775, ClinGen allele CA5522647.
Genomic context (GRCh38, chr10:68,166,418, plus strand): 5'-TATTGAGCCACAGCCCTCCCCACCCCACTCAGAGCCTCCATCTGTGGAACAACCCCCCAA[A>G]CCCAAACTCGAGGGGGTTCTGGTGAACCACAATGAGCCCCGGTCCAGCTCCAGGATTGGG-3'
Protein context (NP_115967.2, residues 565-585): SEPPSVEQPP[Lys575=]PKLEGVLVNH

ClinVar aggregate classification (germline): Likely benign. Review status: criteria provided, multiple submitters, no conflicts (2 of 4 stars). 10 submissions from 10 submitters: Likely benign (6). 4 of the submissions do not count toward it. Last evaluated 2025-11-27.

Conditions:
Cardiovascular phenotype. Identifiers: MedGen CN230736.
Dilated cardiomyopathy 1KK (CMD1KK). Identifiers: Orphanet 154, Orphanet 75249, MedGen C3714995, MONDO:0014100, OMIM 615248.
MYPN-related disorder. Also called: MYPN-related condition.

Allele frequency attached by ClinVar (database versions not stated): gnomAD exomes 0.00008 and 0.00012; gnomAD 0.00009 and 0.00012; TOPMed 0.00011; ExAC 0.00012; ESP Exome Variant Server 0.00023.
gnomAD v4.1: 193 of 1,613,730 alleles (0.012%); highest among the groups gnomAD compares: Middle Eastern, 0.017%; 1 homozygote.

Submissions (10):

Labcorp Genetics (formerly Invitae), Labcorp
Classification: Likely benign for Dilated cardiomyopathy 1KK. Last evaluated: 2025-11-27. Review status: criteria provided, single submitter. Criteria: Invitae Variant Classification Sherloc (09022015). Collection method: clinical testing. Allele origin: germline.

Blueprint Genetics
Classification: Likely benign. Last evaluated: 2023-12-14. Review status: criteria provided, single submitter. Criteria: ACMG Guidelines, 2015. Collection method: clinical testing. Allele origin: germline.

CeGaT Center for Human Genetics Tuebingen
Classification: Likely benign. Last evaluated: 2023-11-01. Review status: criteria provided, single submitter. Criteria: CeGaT Center For Human Genetics Tuebingen Variant Classification Criteria Version 2. Collection method: clinical testing. Allele origin: germline. Affected: yes. Observed: 1 variant allele.
Comment: MYPN: BP4, BP7

GeneDx
Classification: Likely benign. Last evaluated: 2020-09-29. Review status: criteria provided, single submitter. Criteria: GeneDx Variant Classification Process June 2021. Collection method: clinical testing. Allele origin: germline. Affected: yes.

Ambry Genetics
Classification: Likely benign for Cardiovascular phenotype. Last evaluated: 2019-09-03. Review status: criteria provided, single submitter. Criteria: Ambry Variant Classification Scheme 2023. Collection method: clinical testing. Allele origin: germline.

Clinical Genetics DNA and cytogenetics Diagnostics Lab, Erasmus MC, Erasmus Medical Center
Classification: Likely benign for Dilated cardiomyopathy 1KK. Last evaluated: 2015-09-21. Review status: criteria provided, single submitter. Criteria: ACGS Guidelines, 2013. Collection method: clinical testing. Allele origin: germline. Affected: yes. Study: VKGL Data-share Consensus.

PreventionGenetics, part of Exact Sciences
Classification: Likely benign for MYPN-related condition. Last evaluated: 2020-10-02. Review status: no assertion criteria provided. Collection method: clinical testing. Allele origin: germline. Not counted in ClinVar's aggregate classification.
Comment: This variant is classified as likely benign based on ACMG/AMP sequence variant interpretation guidelines (Richards et al. 2015 PMID: 25741868, with internal and published modifications).

Clinical Genetics, Academic Medical Center
Classification: Benign. Review status: no assertion criteria provided. Collection method: clinical testing. Allele origin: germline. Affected: yes. Study: VKGL Data-share Consensus. Not counted in ClinVar's aggregate classification.

Diagnostic Laboratory, Department of Genetics, University Medical Center Groningen
Classification: Likely benign for Dilated cardiomyopathy 1KK. Review status: no assertion criteria provided. Collection method: clinical testing. Allele origin: germline. Affected: yes. Study: VKGL Data-share Consensus. Not counted in ClinVar's aggregate classification.

Joint Genome Diagnostic Labs from Nijmegen and Maastricht, Radboudumc and MUMC+
Classification: Likely benign. Review status: no assertion criteria provided. Collection method: clinical testing. Allele origin: germline. Affected: yes. Study: VKGL Data-share Consensus. Not counted in ClinVar's aggregate classification.